The following is an entry in ClinVar:

NM_000466.3(PEX1):c.475G>A (p.Ala159Thr)

Gene: PEX1 (peroxisomal biogenesis factor 1; minus strand). Cytogenetic location: 7q21.2.
Variant type: single nucleotide variant.
Coding change: c.475G>A on transcript NM_000466.3 (MANE Select); coding-DNA position 475, G replaced by A.
Protein change: p.Ala159Thr; replaces alanine 159 with threonine.
Molecular consequence: missense variant. On other transcripts: 5 prime UTR variant (1).
Genome position (GRCh38, 1-based): chr7:92,518,040, C>T on the plus strand (G>A on the coding strand, the complement: PEX1 is on the minus strand). VCF-style: chr7-92518040-C-T. GRCh37 (hg19) VCF-style: chr7-92147354-C-T.
Other names: c.475G>A, p.Ala159Thr (NM_001282677.2); c.-150G>A (NM_001282678.2); short protein forms A159T.
Identifiers: ClinVar variation 1361656 (VCV001361656.5), dbSNP rs372455445, ClinGen allele CA161973963.

ClinVar aggregate classification (germline): Uncertain significance (1 of 4 stars; one submission).

Conditions:
Zellweger spectrum disorders (ZS). Also called: Zellweger syndrome; Zellweger Spectrum Disorder (ZSD); Zellweger Spectrum Disorder; Zellweger Spectrum. Identifiers: Orphanet 912, MedGen C0043459, MONDO:0019609.

gnomAD v4.1: 10 of 1,613,950 alleles (0.00062%); highest among the groups gnomAD compares: African/African-American, 0.0013%; no homozygotes.

Submission:

Labcorp Genetics (formerly Invitae), Labcorp
Classification: Uncertain significance for Zellweger spectrum disorders. Last evaluated: 2021-08-24. Review status: criteria provided, single submitter. Criteria: Invitae Variant Classification Sherloc (09022015). Collection method: clinical testing. Allele origin: germline.
Comment: This sequence change replaces alanine with threonine at codon 159 of the PEX1 protein (p.Ala159Thr). The alanine residue is weakly conserved and there is a small physicochemical difference between alanine and threonine. This variant is not present in population databases (ExAC no frequency). This variant has not been reported in the literature in individuals affected with PEX1-related conditions. Algorithms developed to predict the effect of missense changes on protein structure and function output the following: SIFT: "Tolerated"; PolyPhen-2: "Benign"; Align-GVGD: "Class C0". The threonine amino acid residue is found in multiple mammalian species, which suggests that this missense change does not adversely affect protein function. In summary, the available evidence is currently insufficient to determine the role of this variant in disease. Therefore, it has been classified as a Variant of Uncertain Significance.